The following is an entry in ClinVar:

ClinVar aggregate classification (germline): Uncertain significance (1 of 4 stars; one submission).

Allele frequency attached by ClinVar (database versions not stated): gnomAD exomes below 0.00001; gnomAD 0.00001; TOPMed 0.00002.
gnomAD v4.1: 4 of 1,609,310 alleles (0.00025%); highest among the groups gnomAD compares: Admixed American, 0.005%; no homozygotes.

Submission:

Labcorp Genetics (formerly Invitae), Labcorp
Classification: Uncertain significance. Last evaluated: 2022-07-26. Review status: criteria provided, single submitter. Criteria: Invitae Variant Classification Sherloc (09022015). Collection method: clinical testing. Allele origin: germline.
Comment: Variants that disrupt the consensus splice site are a relatively common cause of aberrant splicing (PMID: 17576681, 9536098). Algorithms developed to predict the effect of sequence changes on RNA splicing suggest that this variant may disrupt the consensus splice site. In summary, the available evidence is currently insufficient to determine the role of this variant in disease. Therefore, it has been classified as a Variant of Uncertain Significance. This variant has not been reported in the literature in individuals affected with NPR3-related conditions. This sequence change falls in intron 4 of the NPR3 gene. It does not directly change the encoded amino acid sequence of the NPR3 protein. It affects a nucleotide within the consensus splice site. This variant is not present in population databases (gnomAD no frequency).

Literature cited by the submitters: PubMed 17576681; PubMed 9536098.

NM_001204375.2(NPR3):c.1195+5G>A

Gene: NPR3 (natriuretic peptide receptor 3; plus strand). Cytogenetic location: 5p13.3.
Variant type: single nucleotide variant.
Coding change: c.1195+5G>A on transcript NM_001204375.2 (MANE Select); 5 bases into the intron after coding-DNA position 1195, G replaced by A.
Molecular consequence: intron variant.
Genome position (GRCh38, 1-based): chr5:32,774,848, G>A. VCF-style: chr5-32774848-G-A. GRCh37 (hg19) VCF-style: chr5-32774954-G-A.
Other names: c.475+5G>A (NM_001364458.2); c.547+5G>A (NM_001363652.2, NM_001204376.2); c.424+5G>A (NM_001364460.2); c.1195+5G>A (NM_000908.4).
Identifiers: ClinVar variation 2088980 (VCV002088980.4), dbSNP rs1732802454, ClinGen allele CA1074822474.
Genomic context (GRCh38, chr5:32,774,848, plus strand): 5'-CAGCAAAAAGGATGGAGGGAAAATTATACAGCAGACTTGGAACAGAACATTTGAAGGTGG[G>A]GATTCCATCTATAAGGCAATTACATGGGGCCAAATGAGCTGCTGCTTTTCTGGTTCTGTA-3'